The following is an entry in ClinVar:

NM_004247.4(EFTUD2):c.157C>T (p.Pro53Ser)

Gene: EFTUD2 (elongation factor Tu GTP binding domain containing 2; minus strand). Cytogenetic location: 17q21.31.
Variant type: single nucleotide variant.
Coding change: c.157C>T on transcript NM_004247.4 (MANE Select); coding-DNA position 157, C replaced by T.
Protein change: p.Pro53Ser; replaces proline 53 with serine.
Molecular consequence: missense variant.
Genome position (GRCh38, 1-based): chr17:44,886,699, G>A on the plus strand (C>T on the coding strand, the complement: EFTUD2 is on the minus strand). VCF-style: chr17-44886699-G-A. GRCh37 (hg19) VCF-style: chr17-42964067-G-A.
Other names: c.157C>T (NM_004247.3); c.52C>T, p.Pro18Ser (NM_001142605.2); c.157C>T, p.Pro53Ser (NM_001258353.2, NM_001258354.2); short protein forms P53S, P18S.
Identifiers: ClinVar variation 1951919 (VCV001951919.6), dbSNP rs143040272, ClinGen allele CA8608183.

ClinVar aggregate classification (germline): Conflicting classifications of pathogenicity. Review status: criteria provided, conflicting classifications (1 of 4 stars). 2 submissions from 2 submitters: Uncertain significance (1); Likely benign (1). Last evaluated 2025-09-27.

Conditions:
Inborn genetic diseases. Identifiers: MedGen C0950123, MeSH D030342.

Allele frequency attached by ClinVar (database versions not stated): gnomAD exomes 0.00001; ExAC 0.00002; gnomAD 0.00002; ESP Exome Variant Server 0.00008; 1000 Genomes Project 30x 0.00016; 1000 Genomes Project 0.00020.
gnomAD v4.1: 28 of 1,614,142 alleles (0.0017%); highest among the groups gnomAD compares: Middle Eastern, 0.016%; no homozygotes.

Submissions (2):

Ambry Genetics
Classification: Likely benign for Inborn genetic diseases. Last evaluated: 2025-09-27. Review status: criteria provided, single submitter. Criteria: Ambry Variant Classification Scheme 2023. Collection method: clinical testing. Allele origin: germline.

Labcorp Genetics (formerly Invitae), Labcorp
Classification: Uncertain significance. Last evaluated: 2022-08-22. Review status: criteria provided, single submitter. Criteria: Invitae Variant Classification Sherloc (09022015). Collection method: clinical testing. Allele origin: germline.
Comment: This sequence change replaces proline, which is neutral and non-polar, with serine, which is neutral and polar, at codon 53 of the EFTUD2 protein (p.Pro53Ser). In summary, the available evidence is currently insufficient to determine the role of this variant in disease. Therefore, it has been classified as a Variant of Uncertain Significance. Algorithms developed to predict the effect of missense changes on protein structure and function (SIFT, PolyPhen-2, Align-GVGD) all suggest that this variant is likely to be tolerated. This variant has not been reported in the literature in individuals affected with EFTUD2-related conditions. This variant is present in population databases (rs143040272, gnomAD 0.01%).